The following is an entry in ClinVar:

ClinVar aggregate classification (germline): Uncertain significance. Review status: criteria provided, multiple submitters, no conflicts (2 of 4 stars). 3 submissions from 3 submitters: Uncertain significance (3). Last evaluated 2024-11-24.

Conditions:
Nemaline myopathy 2 (NEM2). Also called: Nemaline myopathy 2, autosomal recessive. Identifiers: MedGen C1850569, MONDO:0009725, OMIM 256030.
Inborn genetic diseases. Identifiers: MedGen C0950123, MeSH D030342.

Allele frequency attached by ClinVar (database versions not stated): TOPMed 0.00002; gnomAD 0.00003.
gnomAD v4.1: 6 of 1,613,280 alleles (0.00037%); highest among the groups gnomAD compares: Admixed American, 0.0067%; no homozygotes.

Submissions (3):

Ambry Genetics
Classification: Uncertain significance for Inborn genetic diseases. Last evaluated: 2024-11-24. Review status: criteria provided, single submitter. Criteria: Ambry Variant Classification Scheme 2023. Collection method: clinical testing. Allele origin: germline.

Labcorp Genetics (formerly Invitae), Labcorp
Classification: Uncertain significance for Nemaline myopathy 2. Last evaluated: 2020-05-27. Review status: criteria provided, single submitter. Criteria: Invitae Variant Classification Sherloc (09022015). Collection method: clinical testing. Allele origin: germline.
Comment: This sequence change replaces histidine with aspartic acid at codon 2139 of the NEB protein (p.His2139Asp). The histidine residue is weakly conserved and there is a moderate physicochemical difference between histidine and aspartic acid. This variant is not present in population databases (ExAC no frequency). This variant has not been reported in the literature in individuals with NEB-related conditions. ClinVar contains an entry for this variant (Variation ID: 291076). Algorithms developed to predict the effect of missense changes on protein structure and function are either unavailable or do not agree on the potential impact of this missense change (SIFT: "Deleterious"; PolyPhen-2: "Not Available"; Align-GVGD: "Class C0"). In summary, the available evidence is currently insufficient to determine the role of this variant in disease. Therefore, it has been classified as a Variant of Uncertain Significance.

Eurofins Ntd Llc (ga)
Classification: Uncertain significance. Last evaluated: 2016-08-30. Review status: criteria provided, single submitter. Criteria: EGL Classification Definitions 2015. Collection method: clinical testing. Allele origin: germline. Observed: 1 variant allele, 1 heterozygote.

NM_001164508.2(NEB):c.6415C>G (p.His2139Asp)

Gene: NEB (nebulin; minus strand). Cytogenetic location: 2q23.3.
Variant type: single nucleotide variant.
Coding change: c.6415C>G on transcript NM_001164508.2 (MANE Select); coding-DNA position 6415, C replaced by G.
Protein change: p.His2139Asp; replaces histidine 2139 with aspartic acid.
Molecular consequence: missense variant.
Genome position (GRCh38, 1-based): chr2:151,656,233, G>C on the plus strand (C>G on the coding strand, the complement: NEB is on the minus strand). VCF-style: chr2-151656233-G-C. GRCh37 (hg19) VCF-style: chr2-152512747-G-C.
Other names: c.6415C>G, p.His2139Asp (NM_001164507.2, NM_001271208.2, NM_004543.5); c.6415C>G (NM_004543.4); short protein forms H2139D.
Identifiers: ClinVar variation 291076 (VCV000291076.7), dbSNP rs886044641, ClinGen allele CA10607007.